The following is an entry in ClinVar:

NM_000070.3(CAPN3):c.956C>T (p.Pro319Leu)

Gene: CAPN3 (calpain 3; plus strand). Cytogenetic location: 15q15.1.
Variant type: single nucleotide variant.
Coding change: c.956C>T on transcript NM_000070.3 (MANE Select); coding-DNA position 956, C replaced by T.
Protein change: p.Pro319Leu; replaces proline 319 with leucine.
Molecular consequence: missense variant.
Genome position (GRCh38, 1-based): chr15:42,392,649, C>T. VCF-style: chr15-42392649-C-T. GRCh37 (hg19) VCF-style: chr15-42684847-C-T.
Other names: c.956C>T, p.Pro319Leu (NM_024344.2); c.812C>T, p.Pro271Leu (NM_173087.2); short protein forms P319L, P271L.
Identifiers: ClinVar variation 17617 (VCV000017617.25), dbSNP rs121434547, ClinGen allele CA341474.

ClinVar aggregate classification (germline): Pathogenic/Likely pathogenic. Review status: criteria provided, multiple submitters, no conflicts (2 of 4 stars). 9 submissions from 9 submitters: Pathogenic (4); Likely pathogenic (3). 2 of the submissions do not count toward it. Last evaluated 2025-10-15.

Conditions:
Muscular dystrophy, limb-girdle, autosomal dominant 4. Also called: MUSCULAR DYSTROPHY, LIMB-GIRDLE, TYPE 1I; Calpain-3-related limb-girdle muscular dystrophy D4. Identifiers: Orphanet 565909, MedGen C4748295, MONDO:0029133, OMIM 618129.
Autosomal recessive limb-girdle muscular dystrophy type 2A (LGMDR1). Also called: Limb-girdle muscular dystrophy, type 2A; LEYDEN-MOEBIUS MUSCULAR DYSTROPHY; MUSCULAR DYSTROPHY, PELVOFEMORAL; Muscular dystrophy, limb-girdle, type 2A, Amish; Calpainopathy. Identifiers: Orphanet 267, MedGen C1869123, MONDO:0009675, OMIM 253600. Disease mechanism: loss of function.

Allele frequency attached by ClinVar (database versions not stated): gnomAD 0.00001; gnomAD exomes 0.00002; TOPMed 0.00002; ExAC 0.00004.
gnomAD v4.1: 31 of 1,613,198 alleles (0.0019%); highest among the groups gnomAD compares: Middle Eastern, 0.049%; no homozygotes.

Submissions (9):

Natera, Inc.
Classification: Pathogenic for Limb-girdle muscular dystrophy type 2A. Last evaluated: 2025-10-15. Review status: criteria provided, single submitter. Criteria: Natera Variant Classification Schema (03/2026). Collection method: clinical testing. Allele origin: germline.
Comment: The c.956C>T variant in CAPN3 is a missense variant predicted to cause substitution of proline to leucine at amino acid 319. This variant is rare in the general population with a frequency below the threshold expected for the associated phenotype(s). This variant has been observed in one or more individuals affected with the associated recessive disease, as either homozygous or compound heterozygous with a second variant (PMID: 38357257, 9150160, 30056071, 34602496, 30919934). Additionally, this variant has been observed to segregate in affected family members (PMID: 9150160, 30056071). Given the available evidence, this variant is classified as Pathogenic.

Labcorp Genetics (formerly Invitae), Labcorp
Classification: Pathogenic for Autosomal recessive limb-girdle muscular dystrophy type 2A. Last evaluated: 2025-04-17. Review status: criteria provided, single submitter. Criteria: Invitae Variant Classification Sherloc (09022015). Collection method: clinical testing. Allele origin: germline.
Comment: This sequence change replaces proline, which is neutral and non-polar, with leucine, which is neutral and non-polar, at codon 319 of the CAPN3 protein (p.Pro319Leu). This variant is present in population databases (rs121434547, gnomAD 0.004%). This missense change has been observed in individuals with autosomal recessive limb-girdle muscular dystrophy (PMID: 9150160, 30056071, 30919934, 34602496). ClinVar contains an entry for this variant (Variation ID: 17617). Invitae Evidence Modeling of protein sequence and biophysical properties (such as structural, functional, and spatial information, amino acid conservation, physicochemical variation, residue mobility, and thermodynamic stability) indicates that this missense variant is expected to disrupt CAPN3 protein function with a positive predictive value of 95%. Experimental studies have shown that this missense change affects CAPN3 function (PMID: 9642272). For these reasons, this variant has been classified as Pathogenic.

Fulgent Genetics
Classification: Pathogenic for Autosomal recessive limb-girdle muscular dystrophy type 2A; Muscular dystrophy, limb-girdle, autosomal dominant 4. Last evaluated: 2024-05-02. Review status: criteria provided, single submitter. Criteria: ACMG Guidelines, 2015. Collection method: clinical testing. Allele origin: germline.

Baylor Genetics
Classification: Pathogenic for Muscular dystrophy, limb-girdle, autosomal dominant 4. Last evaluated: 2024-03-25. Review status: criteria provided, single submitter. Criteria: ACMG Guidelines, 2015. Collection method: clinical testing. Allele origin: unknown.

GeneDx
Classification: Likely pathogenic. Last evaluated: 2024-02-01. Review status: criteria provided, single submitter. Criteria: GeneDx Variant Classification Process June 2021. Collection method: clinical testing. Allele origin: germline. Affected: yes.
Comment: Not observed at significant frequency in large population cohorts (gnomAD); In silico analysis supports that this missense variant has a deleterious effect on protein structure/function; This variant is associated with the following publications: (PMID: 34426522, 9642272, 15689361, 16141003, 11371436, 34602496, 30919934, 17562833, 31937337, 9150160, 18073330, 36374152, 30056071)

Revvity Omics, Revvity
Classification: Likely pathogenic. Last evaluated: 2021-04-23. Review status: criteria provided, single submitter. Criteria: ACMG Guidelines, 2015. Collection method: clinical testing. Allele origin: germline.

Eurofins Ntd Llc (ga)
Classification: Likely pathogenic. Last evaluated: 2017-09-20. Review status: criteria provided, single submitter. Criteria: EGL Classification Definitions 2015. Collection method: clinical testing. Allele origin: germline. Observed: 3 variant alleles, 3 heterozygotes.

Counsyl
Classification: Likely pathogenic for Autosomal recessive limb-girdle muscular dystrophy type 2A. Last evaluated: 2019-04-17. Review status: no assertion criteria provided. Collection method: clinical testing. Allele origin: unknown. Not counted in ClinVar's aggregate classification.

OMIM
Classification: Pathogenic for MUSCULAR DYSTROPHY, LIMB-GIRDLE, AUTOSOMAL RECESSIVE 1. Last evaluated: 1997-05-01. Review status: no assertion criteria provided. Collection method: literature only. Allele origin: germline. Not counted in ClinVar's aggregate classification.

Literature cited by the submitters: PubMed 38357257 (cited by Natera, Inc.); PubMed 9150160 (cited by 5 submitters); PubMed 30056071 (cited by Natera, Inc. and Labcorp Genetics (formerly Invitae), Labcorp); PubMed 34602496 (cited by Natera, Inc. and Labcorp Genetics (formerly Invitae), Labcorp); PubMed 30919934 (cited by Natera, Inc. and Labcorp Genetics (formerly Invitae), Labcorp); PubMed 9642272 (cited by Labcorp Genetics (formerly Invitae), Labcorp and Counsyl); PubMed 16141003 (cited by Eurofins Ntd Llc (ga) and Counsyl); PubMed 18073330 (cited by Counsyl); PubMed 17562833 (cited by Counsyl); PubMed 15689361 (cited by Counsyl).